The following is an entry in ClinVar:

NM_000642.3(AGL):c.2480_2481insA (p.Pro828fs)

Gene: AGL (amylo-alpha-1,6-glucosidase and 4-alpha-glucanotransferase; plus strand). Cytogenetic location: 1p21.2.
Variant type: Insertion.
Coding change: c.2480_2481insA on transcript NM_000642.3 (MANE Select); coding-DNA positions 2480 to 2481, A inserted.
Protein change: p.Pro828fs; shifts the reading frame from proline 828.
Molecular consequence: frameshift variant.
Genome position: GRCh38 VCF-style: chr1-99884385-G-GA. GRCh37 (hg19) VCF-style: chr1-100349941-G-GA.
Other names: c.2480_2481insA, p.Pro828Alafs (NM_000028.3, NM_000643.3, NM_000644.3 and 2 more transcripts); c.2432_2433insA, p.Pro812Alafs (NM_000646.3); c.2279_2280insA, p.Pro761Alafs (NM_001425327.1); c.2276_2277insA, p.Pro760Alafs (NM_001425328.1, NM_001425329.1); c.2102_2103insA, p.Pro702Alafs (NM_001425332.1); short protein forms P812fs, P828fs.
Identifiers: ClinVar variation 1725665 (VCV001725665.2), dbSNP rs2524674924, ClinGen allele CA2580063433.
Genomic context (GRCh38, chr1:99,884,385, plus strand): 5'-TACTTTTTTTCAAGCTTAATGAAAGTAAAATTGTTAAACAAGCTGGAGTTGCCACAAAAG[G>GA]GCCCAATGAATATATTCAAGAAATAGAATTTGAAAACTTGTCTCCAGGAAGTGTTATTAT-3'

ClinVar aggregate classification (germline): Likely pathogenic (1 of 4 stars; one submission).

Conditions:
Glycogen storage disease type III (GSD3). Also called: FORBES DISEASE; Cori disease. Identifiers: Orphanet 366, MedGen C0017922, MONDO:0009291, OMIM 232400.

Submission:

Myriad Genetics, Inc.
Classification: Likely pathogenic for Glycogen storage disease type III. Last evaluated: 2022-03-30. Review status: criteria provided, single submitter. Criteria: Myriad Women's Health Autosomal Recessive and X-Linked Classification Criteria (2021). Collection method: clinical testing. Allele origin: unknown.
Comment: NM_000642.2(AGL):c.2480_2481insA(P828Afs*3) is expected to be pathogenic in the context of glycogen storage disease type III. This variant is predicted to lead to an abnormal or absent protein product due to the creation of a premature termination codon in AGL, a gene where loss-of-function variants are known to be pathogenic. Please note: this variant was assessed in the context of healthy population screening.